The following is an entry in ClinVar:

ClinVar aggregate classification (germline): Uncertain significance (1 of 4 stars; one submission).

Submission:

Labcorp Genetics (formerly Invitae), Labcorp
Classification: Uncertain significance. Last evaluated: 2025-03-27. Review status: criteria provided, single submitter. Criteria: Invitae Variant Classification Sherloc (09022015). Collection method: clinical testing. Allele origin: germline.
Comment: This sequence change replaces proline, which is neutral and non-polar, with threonine, which is neutral and polar, at codon 16 of the TWNK protein (p.Pro16Thr). This variant is not present in population databases (gnomAD no frequency). This variant has not been reported in the literature in individuals affected with TWNK-related conditions. Invitae Evidence Modeling of protein sequence and biophysical properties (such as structural, functional, and spatial information, amino acid conservation, physicochemical variation, residue mobility, and thermodynamic stability) indicates that this missense variant is not expected to disrupt TWNK protein function with a negative predictive value of 95%. In summary, the available evidence is currently insufficient to determine the role of this variant in disease. Therefore, it has been classified as a Variant of Uncertain Significance.

NM_021830.5(TWNK):c.46C>A (p.Pro16Thr)

Gene: TWNK (twinkle mtDNA helicase; plus strand). Cytogenetic location: 10q24.31.
Variant type: single nucleotide variant.
Coding change: c.46C>A on transcript NM_021830.5 (MANE Select); coding-DNA position 46, C replaced by A.
Protein change: p.Pro16Thr; replaces proline 16 with threonine.
Molecular consequence: missense variant. On other transcripts: non-coding transcript variant (4), intron variant (3).
Genome position (GRCh38, 1-based): chr10:100,988,256, C>A. VCF-style: chr10-100988256-C-A. GRCh37 (hg19) VCF-style: chr10-102748013-C-A.
Other names: c.46C>A, p.Pro16Thr (NM_001163812.2); c.-120+643C>A (NM_001163814.2, NM_001163813.2); c.-58+643C>A (NM_001368275.1); short protein forms P16T.
Identifiers: ClinVar variation 4753377 (VCV004753377.1).